The following is an entry in ClinVar:

NM_001369.3(DNAH5):c.5332_5333insATTGCCCT (p.Pro1778fs)

Gene: DNAH5 (dynein axonemal heavy chain 5; minus strand). Cytogenetic location: 5p15.2.
Variant type: Insertion.
Coding change: c.5332_5333insATTGCCCT on transcript NM_001369.3 (MANE Select); coding-DNA positions 5332 to 5333, ATTGCCCT inserted.
Protein change: p.Pro1778fs; shifts the reading frame from proline 1778.
Molecular consequence: frameshift variant.
Genome position: GRCh38 VCF-style: chr5-13841843-G-GAGGGCAAT. GRCh37 (hg19) VCF-style: chr5-13841952-G-GAGGGCAAT.
Other names: short protein forms P1778fs.
Identifiers: ClinVar variation 5010666 (VCV005010666.1).
Genomic context (GRCh38, chr5:13,841,843, plus strand): 5'-GACTGAGATTCTTCCAAAAGAGAATTAAGCCAAACTTCCACATTGCCCTCTGCCATGACA[G>GAGGGCAAT]GTTTATCCAATTCAATCGTCTCACCCTCTTGAGAGGAAATTGACAGAATTCGATCATAGA-3'

ClinVar aggregate classification (germline): Pathogenic (1 of 4 stars; one submission).

Conditions:
Primary ciliary dyskinesia 3. Identifiers: Orphanet 244, MedGen C1837618, MONDO:0012085, OMIM 608644.

Submission:

Myriad Genetics, Inc.
Classification: Pathogenic for Primary ciliary dyskinesia 3. Last evaluated: 2024-05-14. Review status: criteria provided, single submitter. Criteria: Myriad Autosomal Dominant, Autosomal Recessive and X-Linked Classification Criteria (2023). Collection method: clinical testing. Allele origin: unknown.
Comment: NM_001369.2(DNAH5):c.5332_5333ins8(P1778Hfs*29) is expected to be pathogenic in the context of primary ciliary dyskinesia, DNAH5-related. This variant is predicted to lead to an abnormal or absent protein product due to the creation of a premature termination codon in DNAH5, a gene where loss-of-function variants are known to be pathogenic. Please note: this variant was assessed in the context of healthy population screening.